The following is an entry in ClinVar:

ClinVar aggregate classification (germline): Pathogenic (0 of 4 stars; one submission).

Conditions:
Carcinoma of colon (CRC). Also called: Colon carcinoma; Colonic carcinoma. Identifiers: MedGen C0699790, MONDO:0002032.

Submission:

Department of Pathology and Laboratory Medicine, Sinai Health System
Classification: Pathogenic for Carcinoma of colon. Review status: no assertion criteria provided. Collection method: clinical testing. Allele origin: unknown. Affected: yes. Observed: 1 variant allele. Study: The Canadian Open Genetics Repository (COGR).
Comment: The c.-85-?_834+?del variant encompasses promoter regions 1A and 1B through exon 7, although the precise breakpoints of this deletion were not determined, nor were the effects of this variant on the resulting mRNA or protein product determined. The variant was identified by Aretz (2005) in an individual with FAP. The variant was also identified in the InSiGHT Colon Cancer Gene Variant Database. The variant was not found in dbSNP, NHLBI Exome Sequencing Project (Exome Variant Server), Exome Aggregation Consortium (ExAC) database, Clinvitae database, COSMIC, â€šÃ„ÃºMismatch Repair Genes Variant Databaseâ€šÃ„Ã¹, â€šÃ„ÃºMMR Gene Unclassified Variants Databaseâ€šÃ„Ã¹, InSiGHT Colon Cancer Gene Variant Database, â€šÃ„ÃºZhejiang Colon Cancer Databaseâ€šÃ„Ã¹, the ClinVar database, GeneInsight COGR database, and UMD. The deletion is predicted to result in no production of the APC protein, and thus a loss of function. Loss of function variants of the APC gene are an established mechanism of disease in familial adenomatous polyposis and is the type of variant expected to cause the disorder. In summary, based on the above information, this variant meets our laboratoryâ€šÃ„Ã´s criteria to be classified as pathogenic.

NM_001127511.3(APC):c.166-28469_166-27547del

Gene: APC (APC regulator of Wnt signaling pathway; plus strand). Cytogenetic location: 5q22.2.
Variant type: Deletion.
Coding change: c.166-28469_166-27547del on transcript NM_001127511.3; 28469 bases into the intron before coding-DNA position 166 through 27547 bases into the intron before coding-DNA position 166, 923 bases deleted.
Molecular consequence: intron variant.
Genome position (GRCh38, 1-based): chr5:112,737,857-112,738,779, 923 bases deleted. GRCh37 (hg19): chr5:112,073,554-112,074,476.
Other names: c.-1053-17016_-1053-16094del (NM_001407470.1, NM_001407472.1); c.-18-17016_-18-16094del (NM_001407447.1, NM_001354895.2, NM_001407456.1 and 7 more transcripts); c.166-28469_166-27547del (NM_001407446.1, NM_001354897.2, NM_001354902.2); c.-42-28469_-42-27547del (NM_001407453.1).
Identifiers: ClinVar variation 1050412 (VCV001050412.3), dbSNP rs2149682237, ClinGen allele CA2499217376.